The following is an entry in ClinVar:

NM_003922.4(HERC1):c.2869-5T>C

Gene: HERC1 (HECT and RLD domain containing E3 ubiquitin protein ligase family member 1; minus strand). Cytogenetic location: 15q22.31.
Variant type: single nucleotide variant.
Coding change: c.2869-5T>C on transcript NM_003922.4 (MANE Select); 5 bases into the intron before coding-DNA position 2869, T replaced by C.
Molecular consequence: intron variant.
Genome position (GRCh38, 1-based): chr15:63,729,654, A>G on the plus strand (T>C on the coding strand, the complement: HERC1 is on the minus strand). VCF-style: chr15-63729654-A-G. GRCh37 (hg19) VCF-style: chr15-64021853-A-G.
Identifiers: ClinVar variation 774915 (VCV000774915.43), dbSNP rs61751109, ClinGen allele CA7606171.

ClinVar aggregate classification (germline): Benign/Likely benign. Review status: criteria provided, multiple submitters, no conflicts (2 of 4 stars). 3 submissions from 3 submitters: Benign (1); Likely benign (2). Last evaluated 2026-09-01.

Allele frequency attached by ClinVar (database versions not stated): 1000 Genomes Project 0.00080; 1000 Genomes Project 30x 0.00109; TOPMed 0.00223; ESP Exome Variant Server 0.00286; gnomAD 0.00433 and 0.00460; gnomAD exomes 0.00440 and 0.00510; ExAC 0.00621.
gnomAD v4.1: 6,998 of 1,613,198 alleles (0.43%); highest among the groups gnomAD compares: Non-Finnish European, 0.45%; 29 homozygotes.

Submissions (3):

CeGaT Center for Human Genetics Tuebingen
Classification: Likely benign. Last evaluated: 2026-09-01. Review status: criteria provided, single submitter. Criteria: CeGaT Center For Human Genetics Tuebingen Variant Classification Criteria Version 2. Collection method: clinical testing. Allele origin: germline. Affected: yes. Observed: 14 variant alleles.
Comment: HERC1: BP4, BS2

Labcorp Genetics (formerly Invitae), Labcorp
Classification: Benign. Last evaluated: 2026-01-07. Review status: criteria provided, single submitter. Criteria: Invitae Variant Classification Sherloc (09022015). Collection method: clinical testing. Allele origin: germline.

GeneDx
Classification: Likely benign. Last evaluated: 2018-12-01. Review status: criteria provided, single submitter. Criteria: GeneDx Variant Classification Process June 2021. Collection method: clinical testing. Allele origin: germline. Affected: yes.